The following is an entry in ClinVar:

ClinVar aggregate classification (germline): Likely benign. Review status: criteria provided, single submitter (1 of 4 stars). 2 submissions from 2 submitters: Likely benign (1). 1 of the submissions does not count toward it. Last evaluated 2024-03-13.

Conditions:
CNTN6-related disorder. Also called: CNTN6-related condition.

Allele frequency attached by ClinVar (database versions not stated): ExAC 0.00002; gnomAD exomes 0.00004; TOPMed 0.00012; gnomAD 0.00018; ESP Exome Variant Server 0.00023.
gnomAD v4.1: 84 of 1,573,970 alleles (0.0053%); highest among the groups gnomAD compares: African/African-American, 0.092%; no homozygotes.

Submissions (2):

Blueprint Genetics
Classification: Likely benign. Last evaluated: 2024-03-13. Review status: criteria provided, single submitter. Criteria: ACMG Guidelines, 2015. Collection method: clinical testing. Allele origin: germline.

PreventionGenetics, part of Exact Sciences
Classification: Likely benign for CNTN6-related condition. Last evaluated: 2019-09-18. Review status: no assertion criteria provided. Collection method: clinical testing. Allele origin: germline. Not counted in ClinVar's aggregate classification.
Comment: This variant is classified as likely benign based on ACMG/AMP sequence variant interpretation guidelines (Richards et al. 2015 PMID: 25741868, with internal and published modifications).

NM_001289080.2(CNTN6):c.1770C>T (p.Ala590=)

Gene: CNTN6 (contactin 6; plus strand). Cytogenetic location: 3p26.3.
Variant type: single nucleotide variant.
Coding change: c.1770C>T on transcript NM_001289080.2 (MANE Select); coding-DNA position 1770, C replaced by T.
Protein change: p.Ala590=; no amino-acid change (alanine 590 retained).
Molecular consequence: synonymous variant.
Genome position (GRCh38, 1-based): chr3:1,372,939, C>T. VCF-style: chr3-1372939-C-T. GRCh37 (hg19) VCF-style: chr3-1414623-C-T.
Other names: c.1554C>T, p.Ala518= (NM_001289081.2); c.1770C>T, p.Ala590= (NM_001349350.2, NM_001349351.2, NM_001349352.2 and 4 more transcripts); c.1662C>T, p.Ala554= (NM_001349356.2); c.1458C>T, p.Ala486= (NM_001349357.2); c.1215C>T, p.Ala405= (NM_001349358.2); c.648C>T, p.Ala216= (NM_001349359.2, NM_001349360.2, NM_001349361.2 and 1 more transcripts).
Identifiers: ClinVar variation 3040004 (VCV003040004.3), dbSNP rs151334132, ClinGen allele CA2226297.